The following is an entry in ClinVar:

NM_015466.4(PTPN23):c.4159C>G (p.Pro1387Ala)

Gene: PTPN23 (protein tyrosine phosphatase non-receptor type 23; plus strand). Cytogenetic location: 3p21.31.
Variant type: single nucleotide variant.
Coding change: c.4159C>G on transcript NM_015466.4 (MANE Select); coding-DNA position 4159, C replaced by G.
Protein change: p.Pro1387Ala; replaces proline 1387 with alanine.
Molecular consequence: missense variant.
Genome position (GRCh38, 1-based): chr3:47,412,179, C>G. VCF-style: chr3-47412179-C-G. GRCh37 (hg19) VCF-style: chr3-47453669-C-G.
Other names: c.4159C>G (NM_015466.2); c.3781C>G, p.Pro1261Ala (NM_001304482.2); short protein forms P1261A, P1387A.
Identifiers: ClinVar variation 1484200 (VCV001484200.9), dbSNP rs761044983, ClinGen allele CA2366483.

ClinVar aggregate classification (germline): Uncertain significance. Review status: criteria provided, multiple submitters, no conflicts (2 of 4 stars). 2 submissions from 2 submitters: Uncertain significance (2). Last evaluated 2021-10-29.

Conditions:
Inborn genetic diseases. Identifiers: MedGen C0950123, MeSH D030342.

Allele frequency attached by ClinVar (database versions not stated): gnomAD exomes 0.00001 and 0.00002; TOPMed 0.00001; ExAC 0.00002.
gnomAD v4.1: 8 of 1,613,208 alleles (0.0005%); highest among the groups gnomAD compares: East Asian, 0.016%; no homozygotes.

Submissions (2):

Ambry Genetics
Classification: Uncertain significance for Inborn genetic diseases. Last evaluated: 2021-10-29. Review status: criteria provided, single submitter. Criteria: Ambry Variant Classification Scheme 2023. Collection method: clinical testing. Allele origin: germline.

Labcorp Genetics (formerly Invitae), Labcorp
Classification: Uncertain significance. Last evaluated: 2020-12-17. Review status: criteria provided, single submitter. Criteria: Invitae Variant Classification Sherloc (09022015). Collection method: clinical testing. Allele origin: germline.
Comment: In summary, the available evidence is currently insufficient to determine the role of this variant in disease. Therefore, it has been classified as a Variant of Uncertain Significance. Algorithms developed to predict the effect of missense changes on protein structure and function are either unavailable or do not agree on the potential impact of this missense change (SIFT: "Deleterious"; PolyPhen-2: "Probably Damaging"; Align-GVGD: "Class C0"). This variant has not been reported in the literature in individuals with PTPN23-related conditions. This variant is present in population databases (rs761044983, ExAC 0.03%). This sequence change replaces proline with alanine at codon 1387 of the PTPN23 protein (p.Pro1387Ala). The proline residue is weakly conserved and there is a small physicochemical difference between proline and alanine.